The following is an entry in ClinVar:

NM_006565.4(CTCF):c.725C>T (p.Ala242Val)

Gene: CTCF (CCCTC-binding factor; plus strand). Cytogenetic location: 16q22.1.
Variant type: single nucleotide variant.
Coding change: c.725C>T on transcript NM_006565.4 (MANE Select); coding-DNA position 725, C replaced by T.
Protein change: p.Ala242Val; replaces alanine 242 with valine.
Molecular consequence: missense variant. On other transcripts: intron variant (1).
Genome position (GRCh38, 1-based): chr16:67,611,557, C>T. VCF-style: chr16-67611557-C-T. GRCh37 (hg19) VCF-style: chr16-67645460-C-T.
Other names: c.725C>T, p.Ala242Val (NM_001363916.2, NM_001438968.1, NM_001438969.1); c.-32-5188C>T (NM_001191022.2); short protein forms A242V.
Identifiers: ClinVar variation 4282143 (VCV004282143.1).

ClinVar aggregate classification (germline): Uncertain significance (1 of 4 stars; one submission).

Submission:

GeneDx
Classification: Uncertain significance. Last evaluated: 2025-04-15. Review status: criteria provided, single submitter. Criteria: GeneDx Variant Classification Process June 2021. Collection method: clinical testing. Allele origin: germline. Affected: yes.
Comment: Not observed at significant frequency in large population cohorts (gnomAD); In silico analysis indicates that this missense variant does not alter protein structure/function; Has not been previously published as pathogenic or benign to our knowledge